The following is an entry in ClinVar:

ClinVar aggregate classification (germline): Uncertain significance. Review status: criteria provided, multiple submitters, no conflicts (2 of 4 stars). 2 submissions from 2 submitters: Uncertain significance (2). Last evaluated 2025-08-10.

Conditions:
Cardiomyopathy (CMYO). Also called: Cardiomyopathies. Identifiers: Orphanet 167848, MedGen C0878544, MONDO:0004994, HP:0001638. Inheritance: Various modes of inheritance.

Allele frequency attached by ClinVar (database versions not stated): ExAC 0.00001; TOPMed 0.00001.
gnomAD v4.1: 1 of 1,613,848 alleles (0.000062%); no homozygotes.

Submissions (2):

Color Diagnostics, LLC DBA Color Health
Classification: Uncertain significance for Cardiomyopathy. Last evaluated: 2025-08-10. Review status: criteria provided, single submitter. Criteria: ACMG Guidelines, 2015. Collection method: clinical testing. Allele origin: germline.
Comment: This missense variant replaces glutamic acid with glycine at codon 1150 of the RYR2 protein. Computational prediction is inconclusive regarding the impact of this variant on protein structure and function. To our knowledge, functional studies have not been reported for this variant. This variant has not been reported in individuals affected with RYR2-related disorders in the literature. This variant has not been identified in the general population by the Genome Aggregation Database (gnomAD). The available evidence is insufficient to determine the role of this variant in disease conclusively. Therefore, this variant is classified as a Variant of Uncertain Significance.

GeneDx
Classification: Uncertain significance. Last evaluated: 2017-04-27. Review status: criteria provided, single submitter. Criteria: GeneDx Variant Classification (06012015). Collection method: clinical testing. Allele origin: germline. Affected: yes.
Comment: The E1150G variant has not been published as pathogenic or been reported as benign to our knowledge. The E1150G variant is not observed in large population cohorts (Lek et al., 2016; 1000 Genomes Consortium et al., 2015; Exome Variant Server). The E1150G variant is a non-conservative amino acid substitution, which is likely to impact secondary protein structure as these residues differ in polarity, charge, size and/or other properties. This substitution occurs at a position that is conserved across species, and in silico analysis predicts this variant is probably damaging to the protein structure/function. Nevertheless, this variant has not been identified in a significant number of affected individuals, and there are no functional studies or segregation data available to clarify the role of this variant in disease. Additionally, the E1150G variant is not located in one of the three hot-spot regions of the RYR2 gene, where the majority of pathogenic missense mutations occur (Medeiros-Domingo et al., 2009).

NM_001035.3(RYR2):c.3449A>G (p.Glu1150Gly)

Gene: RYR2 (ryanodine receptor 2; plus strand). Cytogenetic location: 1q43.
Variant type: single nucleotide variant.
Coding change: c.3449A>G on transcript NM_001035.3 (MANE Select); coding-DNA position 3449, A replaced by G.
Protein change: p.Glu1150Gly; replaces glutamic acid 1150 with glycine.
Molecular consequence: missense variant.
Genome position (GRCh38, 1-based): chr1:237,569,170, A>G. VCF-style: chr1-237569170-A-G. GRCh37 (hg19) VCF-style: chr1-237732470-A-G.
Other names: c.3449A>G, p.Glu1150Gly (LRG_402t1); short protein forms E1150G.
Identifiers: ClinVar variation 426182 (VCV000426182.3), dbSNP rs754335935, ClinGen allele CA086388.
Genomic context (GRCh38, chr1:237,569,170, plus strand): 5'-GTCTGTGACAAGGGACTTTTCTGTCCTCTGTATAGGCCCAGCGGTGGCATCAGGGCAATG[A>G]ACACTATGGGCGCTCTTGGCAAGCAGGCGATGTCGTGGGGTGTATGGTTGACATGAACGA-3'
Protein context (NP_001026.2, residues 1140-1160): FKAQRWHQGN[Glu1150Gly]HYGRSWQAGD